The following is an entry in ClinVar:

ClinVar aggregate classification (germline): Likely pathogenic (1 of 4 stars; one submission).

Conditions:
Familial thoracic aortic aneurysm and aortic dissection (TAAD). Also called: Thoracic aortic aneurysms and dissections. Identifiers: Orphanet 91387, MedGen C4707243, MONDO:0019625.

Submission:

Color Diagnostics, LLC DBA Color Health
Classification: Likely pathogenic for Familial thoracic aortic aneurysm and aortic dissection. Last evaluated: 2022-06-06. Review status: criteria provided, single submitter. Criteria: ACMG Guidelines, 2015. Collection method: clinical testing. Allele origin: germline.
Comment: This variant affects a cysteine residue located within a calcium-binding EGF-like domain of the FBN1 protein. Cysteine residues in cbEGF-like domains are involved in the formation of disulfide bridges, which are critical for FBN1 protein structure and stability (PMID: 4750422, 16677079). Computational prediction also suggests that this variant may have deleterious impact on protein structure and function (internally defined REVEL score threshold >= 0.7, PMID: 27666373). To our knowledge, this variant has not been reported in individuals affected with cardiovascular disorders in the literature. This variant has not been identified in the general population by the Genome Aggregation Database (gnomAD). A different missense variant disrupting the same cysteine residue, p.Cys1402Tyr, is considered to be disease-causing (ClinVar variation ID: 519799), suggesting that cysteine at this position is important for the protein function. Based on the available evidence, this variant is classified as Likely Pathogenic.

Literature cited by the submitters: PubMed 4750422; PubMed 16677079.

NM_000138.5(FBN1):c.4205G>C (p.Cys1402Ser)

Gene: FBN1 (fibrillin 1; minus strand). Cytogenetic location: 15q21.1.
Variant type: single nucleotide variant.
Coding change: c.4205G>C on transcript NM_000138.5 (MANE Select); coding-DNA position 4205, G replaced by C.
Protein change: p.Cys1402Ser; replaces cysteine 1402 with serine.
Molecular consequence: missense variant.
Genome position (GRCh38, 1-based): chr15:48,474,260, C>G on the plus strand (G>C on the coding strand, the complement: FBN1 is on the minus strand). VCF-style: chr15-48474260-C-G. GRCh37 (hg19) VCF-style: chr15-48766457-C-G.
Other names: c.4205G>C, p.Cys1402Ser (NM_001406716.1); short protein forms C1402S.
Identifiers: ClinVar variation 2773346 (VCV002773346.2), dbSNP rs1555397646, ClinGen allele CA392319870.